The following is an entry in ClinVar:

ClinVar aggregate classification (germline): Likely benign. Review status: criteria provided, multiple submitters, no conflicts (2 of 4 stars). 3 submissions from 3 submitters: Likely benign (2). 1 of the submissions does not count toward it. Last evaluated 2018-04-30.

Conditions:
FEZF2-related disorder. Also called: FEZF2-related condition.

Allele frequency attached by ClinVar (database versions not stated): gnomAD exomes 0.00123; ExAC 0.00146; gnomAD 0.00954; TOPMed 0.01070; 1000 Genomes Project 0.01238.
gnomAD v4.1: 2,676 of 1,260,302 alleles (0.21%); highest among the groups gnomAD compares: African/African-American, 3.3%; 30 homozygotes.

Submissions (3):

Labcorp Genetics (formerly Invitae), Labcorp
Classification: Likely benign. Last evaluated: 2018-04-30. Review status: criteria provided, single submitter. Criteria: Invitae Variant Classification Sherloc (09022015). Collection method: clinical testing. Allele origin: germline.

Breakthrough Genomics
Classification: Likely benign. Review status: criteria provided, single submitter. Criteria: ACMG Guidelines, 2015. Collection method: not provided. Allele origin: germline. Inheritance: Unknown mechanism. Affected: yes.

PreventionGenetics, part of Exact Sciences
Classification: Benign for FEZF2-related condition. Last evaluated: 2019-11-11. Review status: no assertion criteria provided. Collection method: clinical testing. Allele origin: germline. Not counted in ClinVar's aggregate classification.
Comment: This variant is classified as benign based on ACMG/AMP sequence variant interpretation guidelines (Richards et al. 2015 PMID: 25741868, with internal and published modifications).

NM_018008.4(FEZF2):c.345C>G (p.Gly115=)

Gene: FEZF2 (FEZ family zinc finger 2; minus strand). Cytogenetic location: 3p14.2.
Variant type: single nucleotide variant.
Coding change: c.345C>G on transcript NM_018008.4 (MANE Select); coding-DNA position 345, C replaced by G.
Protein change: p.Gly115=; no amino-acid change (glycine 115 retained).
Molecular consequence: synonymous variant.
Genome position (GRCh38, 1-based): chr3:62,372,524, G>C on the plus strand (C>G on the coding strand, the complement: FEZF2 is on the minus strand). VCF-style: chr3-62372524-G-C. GRCh37 (hg19) VCF-style: chr3-62358199-G-C.
Identifiers: ClinVar variation 717184 (VCV000717184.6), dbSNP rs556316506, ClinGen allele CA2476018.